The following is an entry in ClinVar:

ClinVar aggregate classification (germline): Uncertain significance. Review status: criteria provided, multiple submitters, no conflicts (2 of 4 stars). 2 submissions from 2 submitters: Uncertain significance (2). Last evaluated 2024-04-11.

Conditions:
Oculootoradial syndrome (IVIC). Also called: RADIAL RAY DEFECTS, HEARING IMPAIRMENT, EXTERNAL OPHTHALMOPLEGIA, AND THROMBOCYTOPENIA; IVIC syndrome. Identifiers: Orphanet 2307, MedGen C1327918, MONDO:0007836, OMIM 147750.
Duane-radial ray syndrome (DRRS). Also called: Duane-Radial Ray Syndrome/Okihiro Syndrome; ACRORENOOCULAR SYNDROME; DR SYNDROME; DUANE ANOMALY WITH RADIAL RAY ABNORMALITIES AND DEAFNESS; Okihiro Syndrome; Duane-Radial Ray Syndrome (DRRS) / Okihiro Syndrome. Identifiers: Orphanet 93293, Orphanet 959, MedGen C1623209, MONDO:0011812, OMIM 607323. Disease mechanism: gain of function.

gnomAD v4.1: 8 of 1,614,016 alleles (0.0005%); highest among the groups gnomAD compares: South Asian, 0.0022%; no homozygotes.

Submissions (2):

Fulgent Genetics
Classification: Uncertain significance for Oculootoradial syndrome; Duane-radial ray syndrome. Last evaluated: 2024-04-11. Review status: criteria provided, single submitter. Criteria: ACMG Guidelines, 2015. Collection method: clinical testing. Allele origin: germline.

Labcorp Genetics (formerly Invitae), Labcorp
Classification: Uncertain significance for Duane-radial ray syndrome. Last evaluated: 2022-02-17. Review status: criteria provided, single submitter. Criteria: Invitae Variant Classification Sherloc (09022015). Collection method: clinical testing. Allele origin: germline.
Comment: Algorithms developed to predict the effect of sequence changes on RNA splicing suggest that this variant is not likely to affect RNA splicing. In summary, the available evidence is currently insufficient to determine the role of this variant in disease. Therefore, it has been classified as a Variant of Uncertain Significance. Algorithms developed to predict the effect of missense changes on protein structure and function (SIFT, PolyPhen-2, Align-GVGD) all suggest that this variant is likely to be disruptive. This sequence change replaces arginine, which is basic and polar, with cysteine, which is neutral and slightly polar, at codon 586 of the SALL4 protein (p.Arg586Cys). This variant is present in population databases (no rsID available, gnomAD 0.003%). This variant has not been reported in the literature in individuals affected with SALL4-related conditions.

NM_020436.5(SALL4):c.1756C>T (p.Arg586Cys)

Gene: SALL4 (spalt like transcription factor 4; minus strand). Cytogenetic location: 20q13.2.
Variant type: single nucleotide variant.
Coding change: c.1756C>T on transcript NM_020436.5 (MANE Select); coding-DNA position 1756, C replaced by T.
Protein change: p.Arg586Cys; replaces arginine 586 with cysteine.
Molecular consequence: missense variant. On other transcripts: intron variant (1).
Genome position (GRCh38, 1-based): chr20:51,790,727, G>A on the plus strand (C>T on the coding strand, the complement: SALL4 is on the minus strand). VCF-style: chr20-51790727-G-A. GRCh37 (hg19) VCF-style: chr20-50407266-G-A.
Other names: c.1150+606C>T (NM_001318031.2); short protein forms R586C.
Identifiers: ClinVar variation 2194236 (VCV002194236.5), dbSNP rs148328518, ClinGen allele CA315373321.
Genomic context (GRCh38, chr20:51,790,727, plus strand): 5'-TGGTAGAAAAGGCTCGGCCACAGATCTTACACTGGAACGGTCTCTCCCCGGTGTGGGTGC[G>A]ATAATGCATCTTGAGGGAGCTCTGACAGCTTAAGACTCGGTGGCAAATGAGACATTCGTT-3'
Protein context (NP_065169.1, residues 576-596): SCQSSLKMHY[Arg586Cys]THTGERPFQC